The following is an entry in ClinVar:

NM_181486.4(TBX5):c.484AAC[1] (p.Asn163del)

Gene: TBX5 (T-box transcription factor 5; minus strand). Cytogenetic location: 12q24.21.
Variant type: Microsatellite.
Coding change: c.484AAC[1] on transcript NM_181486.4 (MANE Select); one copy of the 3-base unit AAC starting at c.484; the reference has two copies in a row; one copy, 3 bases deleted.
Protein change: p.Asn163del; deletes asparagine 163.
Genome position (GRCh38, 1-based): chr12:114,398,594-114,398,596, GTT deleted on the plus strand (AAC on the coding strand, the reverse complement: TBX5 is on the minus strand); deleting any 3 consecutive bases within chr12:114,398,594-114,398,600 gives the same sequence; the position shown is the placement nearest the transcript's 3' end. VCF-style (leftmost placement, unchanged base first): chr12-114398593-GGTT-G. GRCh37 (hg19) VCF-style: chr12-114836398-GGTT-G.
Other names: c.484AAC[1], p.Asn163del (NM_000192.3); c.334AAC[1], p.Asn113del (NM_080717.4); short protein forms N113del, N163del.
Identifiers: ClinVar variation 4809414 (VCV004809414.1).

ClinVar aggregate classification (germline): Uncertain significance (1 of 4 stars; one submission).

Conditions:
Aortic valve disease 2 (AOVD2). Identifiers: MedGen C3542024, MONDO:0013902, OMIM 614823.

Submission:

Labcorp Genetics (formerly Invitae), Labcorp
Classification: Uncertain significance for Aortic valve disease 2. Last evaluated: 2025-09-22. Review status: criteria provided, single submitter. Criteria: Invitae Variant Classification Sherloc (09022015). Collection method: clinical testing. Allele origin: germline.
Comment: This variant, c.487_489del, results in the deletion of 1 amino acid(s) of the TBX5 protein (p.Asn163del), but otherwise preserves the integrity of the reading frame. This variant is not present in population databases (gnomAD no frequency). This variant has not been reported in the literature in individuals affected with TBX5-related conditions. Experimental studies and prediction algorithms are not available or were not evaluated, and the functional significance of this variant is currently unknown. In summary, the available evidence is currently insufficient to determine the role of this variant in disease. Therefore, it has been classified as a Variant of Uncertain Significance.